The following is an entry in ClinVar:

ClinVar aggregate classification (germline): Uncertain significance (1 of 4 stars; one submission).

Conditions:
Oto-palato-digital syndrome, type II (OPD2). Also called: FACIOPALATOOSSEOUS SYNDROME; OPD II SYNDROME; Otopalatodigital Syndrome, Type II; Otopalatodigital Syndrome Type 2 (FLNA-OPD2). Identifiers: Orphanet 669, Orphanet 90652, MedGen C1844696, MONDO:0010571, OMIM 304120.
Heterotopia, periventricular, X-linked dominant (PVNH1). Also called: PERIVENTRICULAR NODULAR HETEROTOPIA 1; X-linked periventricular heterotopia; PERIVENTRICULAR NODULAR HETEROTOPIA 4; HETEROTOPIA, PERIVENTRICULAR, 1. Identifiers: Orphanet 2149, Orphanet 82004, MedGen C1848213, MONDO:0010233, OMIM 300049.
Frontometaphyseal dysplasia (FMD1). Identifiers: Orphanet 1826, MedGen C0265293, MONDO:0015942.
Melnick-Needles syndrome (MNS). Also called: MELNICK-NEEDLES OSTEODYSPLASTY; OSTEODYSPLASTY OF MELNICK AND NEEDLES; Melnick-Needles Syndrome (FLNA-MNS). Identifiers: Orphanet 2484, MedGen C0025237, MONDO:0010650, OMIM 309350.

Submission:

Labcorp Genetics (formerly Invitae), Labcorp
Classification: Uncertain significance for Oto-palato-digital syndrome, type II; Heterotopia, periventricular, X-linked dominant; Frontometaphyseal dysplasia; Melnick-Needles syndrome. Last evaluated: 2023-10-04. Review status: criteria provided, single submitter. Criteria: Invitae Variant Classification Sherloc (09022015). Collection method: clinical testing. Allele origin: germline.
Comment: This sequence change replaces isoleucine, which is neutral and non-polar, with valine, which is neutral and non-polar, at codon 1791 of the FLNA protein (p.Ile1791Val). This variant is not present in population databases (gnomAD no frequency). This variant has not been reported in the literature in individuals affected with FLNA-related conditions. Advanced modeling of protein sequence and biophysical properties (such as structural, functional, and spatial information, amino acid conservation, physicochemical variation, residue mobility, and thermodynamic stability) performed at Invitae indicates that this missense variant is not expected to disrupt FLNA protein function. In summary, the available evidence is currently insufficient to determine the role of this variant in disease. Therefore, it has been classified as a Variant of Uncertain Significance.

NM_001110556.2(FLNA):c.5395A>G (p.Ile1799Val)

Gene: FLNA (filamin A; minus strand). Cytogenetic location: Xq28.
Variant type: single nucleotide variant.
Coding change: c.5395A>G on transcript NM_001110556.2 (MANE Select); coding-DNA position 5395, A replaced by G.
Protein change: p.Ile1799Val; replaces isoleucine 1799 with valine.
Molecular consequence: missense variant.
Genome position (GRCh38, 1-based): chrX:154,354,402, T>C on the plus strand (A>G on the coding strand, the complement: FLNA is on the minus strand). VCF-style: chrX-154354402-T-C. GRCh37 (hg19) VCF-style: chrX-153582770-T-C.
Other names: c.5371A>G, p.Ile1791Val (NM_001456.4); short protein forms I1791V, I1799V.
Identifiers: ClinVar variation 2938741 (VCV002938741.3), dbSNP rs2522726865, ClinGen allele CA415205180.
Genomic context (GRCh38, chrX:154,354,402, plus strand): 5'-CTCCTTGGCTCCCGAGCTCCTTCCCAAGTCCCCACTCACCTGTGATCTCGCCCTTCTTGA[T>C]GGTGAAGGGGATGACAAGGTCAAAGGGCCTCAGGCTGGTCACATCCAGCCCATTGACACC-3'
Protein context (NP_001104026.1, residues 1789-1809): RPFDLVIPFT[Ile1799Val]KKGEITGEVR